The following is an entry in ClinVar:

NM_004336.5(BUB1):c.322C>G (p.His108Asp)

Gene: BUB1 (BUB1 mitotic checkpoint serine/threonine kinase; minus strand). Cytogenetic location: 2q13.
Variant type: single nucleotide variant.
Coding change: c.322C>G on transcript NM_004336.5 (MANE Select); coding-DNA position 322, C replaced by G.
Protein change: p.His108Asp; replaces histidine 108 with aspartic acid.
Molecular consequence: missense variant.
Genome position (GRCh38, 1-based): chr2:110,672,761, G>C on the plus strand (C>G on the coding strand, the complement: BUB1 is on the minus strand). VCF-style: chr2-110672761-G-C. GRCh37 (hg19) VCF-style: chr2-111430338-G-C.
Other names: c.262C>G, p.His88Asp (NM_001278616.2); c.322C>G, p.His108Asp (NM_001278617.2); short protein forms H108D, H88D.
Identifiers: ClinVar variation 3224088 (VCV003224088.1), dbSNP rs2468035910, ClinGen allele CA348220548.

ClinVar aggregate classification (germline): Uncertain significance (1 of 4 stars; one submission).

Submission:

Ambry Genetics
Classification: Uncertain significance. Last evaluated: 2023-12-31. Review status: criteria provided, single submitter. Criteria: Ambry Variant Classification Scheme 2023. Collection method: clinical testing. Allele origin: germline.
Comment: The p.H108D variant (also known as c.322C>G), located in coding exon 4 of the BUB1 gene, results from a C to G substitution at nucleotide position 322. The histidine at codon 108 is replaced by aspartic acid, an amino acid with similar properties. This amino acid position is conserved. In addition, the in silico prediction for this alteration is inconclusive. Since supporting evidence is limited at this time, the clinical significance of this alteration remains unclear.